The following is an entry in ClinVar:

ClinVar aggregate classification (germline): Uncertain significance. Review status: criteria provided, multiple submitters, no conflicts (2 of 4 stars). 5 submissions from 5 submitters: Uncertain significance (4). 1 of the submissions does not count toward it. Last evaluated 2024-04-09.

Conditions:
Hereditary cancer-predisposing syndrome. Also called: Neoplastic Syndromes, Hereditary; Tumor predisposition; Hereditary Cancer Syndrome; Hereditary neoplastic syndrome. Identifiers: Orphanet 140162, MedGen C0027672, MeSH D009386, MONDO:0015356.
Microcephaly, normal intelligence and immunodeficiency (NBS). Also called: IMMUNODEFICIENCY, MICROCEPHALY, AND CHROMOSOMAL INSTABILITY; BERLIN BREAKAGE SYNDROME; Nijmegen breakage syndrome; Microcephaly with normal intelligence immunodeficiency and lymphoreticular malignancies; Nonsyndromal microcephaly autosomal recessive with normal intelligence; Seemanova syndrome 2. Identifiers: Orphanet 647, MedGen C0398791, MONDO:0009623, OMIM 251260.

Allele frequency attached by ClinVar (database versions not stated): ExAC 0.00002.
gnomAD v4.1: 31 of 1,612,322 alleles (0.0019%); highest among the groups gnomAD compares: South Asian, 0.033%; no homozygotes.

Submissions (5):

Ambry Genetics
Classification: Uncertain significance for Hereditary cancer-predisposing syndrome. Last evaluated: 2024-04-09. Review status: criteria provided, single submitter. Criteria: Ambry Variant Classification Scheme 2023. Collection method: clinical testing. Allele origin: germline.
Comment: The p.C119Y variant (also known as c.356G>A), located in coding exon 4 of the NBN gene, results from a G to A substitution at nucleotide position 356. The cysteine at codon 119 is replaced by tyrosine, an amino acid with highly dissimilar properties. This amino acid position is highly conserved in available vertebrate species. In addition, this alteration is predicted to be deleterious by in silico analysis. Since supporting evidence is limited at this time, the clinical significance of this alteration remains unclear.

Blueprint Genetics
Classification: Uncertain significance. Last evaluated: 2023-09-06. Review status: criteria provided, single submitter. Criteria: ACMG Guidelines, 2015. Collection method: clinical testing. Allele origin: germline.

Labcorp Genetics (formerly Invitae), Labcorp
Classification: Uncertain significance for Microcephaly, normal intelligence and immunodeficiency. Last evaluated: 2022-07-12. Review status: criteria provided, single submitter. Criteria: Invitae Variant Classification Sherloc (09022015). Collection method: clinical testing. Allele origin: germline.
Comment: This sequence change replaces cysteine, which is neutral and slightly polar, with tyrosine, which is neutral and polar, at codon 119 of the NBN protein (p.Cys119Tyr). This variant is present in population databases (rs749272832, gnomAD 0.02%). This variant has not been reported in the literature in individuals affected with NBN-related conditions. ClinVar contains an entry for this variant (Variation ID: 823943). Algorithms developed to predict the effect of missense changes on protein structure and function are either unavailable or do not agree on the potential impact of this missense change (SIFT: "Deleterious"; PolyPhen-2: "Probably Damaging"; Align-GVGD: "Class C0"). In summary, the available evidence is currently insufficient to determine the role of this variant in disease. Therefore, it has been classified as a Variant of Uncertain Significance.

Genome-Nilou Lab
Classification: Uncertain significance for Microcephaly, normal intelligence and immunodeficiency. Last evaluated: 2021-11-07. Review status: criteria provided, single submitter. Criteria: ACMG Guidelines, 2015. Collection method: clinical testing. Allele origin: germline. Affected: no.

Natera, Inc.
Classification: Uncertain significance for Nijmegen breakage syndrome. Last evaluated: 2020-10-29. Review status: no assertion criteria provided. Collection method: clinical testing. Allele origin: germline. Not counted in ClinVar's aggregate classification.

NM_002485.5(NBN):c.356G>A (p.Cys119Tyr)

Gene: NBN (nibrin; minus strand). Cytogenetic location: 8q21.3.
Variant type: single nucleotide variant.
Coding change: c.356G>A on transcript NM_002485.5 (MANE Select); coding-DNA position 356, G replaced by A.
Protein change: p.Cys119Tyr; replaces cysteine 119 with tyrosine.
Molecular consequence: missense variant.
Genome position (GRCh38, 1-based): chr8:89,980,858, C>T on the plus strand (G>A on the coding strand, the complement: NBN is on the minus strand). VCF-style: chr8-89980858-C-T. GRCh37 (hg19) VCF-style: chr8-90993086-C-T.
Other names: c.110G>A, p.Cys37Tyr (NM_001024688.3); short protein forms C119Y, C37Y.
Identifiers: ClinVar variation 823943 (VCV000823943.21), dbSNP rs749272832, ClinGen allele CA4802993.